The following is an entry in ClinVar:

ClinVar aggregate classification (germline): Uncertain significance (1 of 4 stars; one submission).

Conditions:
Early-infantile DEE. Also called: Ohtahara syndrome; Early infantile epileptic encephalopathy with suppression bursts; Early infantile epileptic encephalopathy. Identifiers: Orphanet 1934, MedGen C0393706, MONDO:0800491.

Submission:

Labcorp Genetics (formerly Invitae), Labcorp
Classification: Uncertain significance for Early-infantile DEE. Last evaluated: 2024-11-10. Review status: criteria provided, single submitter. Criteria: Invitae Variant Classification Sherloc (09022015). Collection method: clinical testing. Allele origin: germline.
Comment: This variant, c.7163_7165dup, results in the insertion of 1 amino acid(s) of the SPTAN1 protein (p.Asp2388dup), but otherwise preserves the integrity of the reading frame. This variant is not present in population databases (gnomAD no frequency). This variant has not been reported in the literature in individuals affected with SPTAN1-related conditions. In summary, the available evidence is currently insufficient to determine the role of this variant in disease. Therefore, it has been classified as a Variant of Uncertain Significance.

NM_001130438.3(SPTAN1):c.7163_7165dup (p.Asp2388_Gly2389insAsp)

Gene: SPTAN1 (spectrin alpha, non-erythrocytic 1; plus strand). Cytogenetic location: 9q34.11.
Variant type: Duplication.
Coding change: c.7163_7165dup on transcript NM_001130438.3 (MANE Select); coding-DNA positions 7163 to 7165, 3 bases duplicated (ATG; older notation c.7163_7165dupATG).
Protein change: p.Asp2388_Gly2389insAsp.
Genome position (GRCh38, 1-based): chr9:128,632,810-128,632,812, ATG duplicated; duplicating any 3 consecutive bases within chr9:128,632,809-128,632,812 gives the same sequence; the c. name uses the placement nearest the transcript's 3' end. VCF-style (leftmost placement, unchanged base first): chr9-128632808-A-AGAT. GRCh37 (hg19) VCF-style: chr9-131395087-A-AGAT.
Other names: c.7088_7090dup, p.Asp2363_Gly2364insAsp (NM_001195532.2); c.7226_7228dup, p.Asp2409_Gly2410insAsp (NM_001363759.2); c.7103_7105dup, p.Asp2368_Gly2369insAsp (NM_001363765.2, NM_001375314.2); c.7250_7252dup, p.Asp2417_Gly2418insAsp (NM_001375310.1); c.7163_7165dup, p.Asp2388_Gly2389insAsp (NM_001375311.2); c.7199_7201dup, p.Asp2400_Gly2401insAsp (NM_001375312.2); c.7145_7147dup, p.Asp2382_Gly2383insAsp (NM_001375313.1); c.7262_7264dup, p.Asp2421_Gly2422insAsp (NM_001375318.1); and 1 more.
Identifiers: ClinVar variation 3683446 (VCV003683446.2).